The following is an entry in ClinVar:

ClinVar aggregate classification (germline): Pathogenic (1 of 4 stars; one submission).

Conditions:
Ververi-Brady syndrome 1. Identifiers: Orphanet 580940, MedGen C6065891, MONDO:0060707, OMIM 617982.

Submission:

Institute of Human Genetics, Heidelberg University
Classification: Pathogenic for Ververi-Brady syndrome 1. Last evaluated: 2025-12-05. Review status: criteria provided, single submitter. Criteria: ACMG Guidelines, 2015. Collection method: clinical testing. Allele origin: de novo. Affected: yes. Observed: 1 variant allele.
Comment: PVS1, PS2_supp, PM2_supp

NM_198880.3(QRICH1):c.1324C>T (p.Gln442Ter)

Gene: QRICH1 (glutamine rich 1; minus strand). Cytogenetic location: 3p21.31.
Variant type: single nucleotide variant.
Coding change: c.1324C>T on transcript NM_198880.3 (MANE Select); coding-DNA position 1324, C replaced by T.
Protein change: p.Gln442Ter; replaces glutamine 442 with a stop codon.
Molecular consequence: nonsense.
Genome position (GRCh38, 1-based): chr3:49,056,876, G>A on the plus strand (C>T on the coding strand, the complement: QRICH1 is on the minus strand). VCF-style: chr3-49056876-G-A. GRCh37 (hg19) VCF-style: chr3-49094309-G-A.
Other names: c.1324C>T, p.Gln442Ter (NM_001320580.2, NM_001320581.2, NM_001320582.2 and 4 more transcripts); short protein forms Q442*.
Identifiers: ClinVar variation 4684983 (VCV004684983.1).
Genomic context (GRCh38, chr3:49,056,876, plus strand): 5'-CCCTGAGGGACCAGGCTGCCTGCCCTACTGATAAGTCTTCACTTACTGAACAAGTAACTT[G>A]GAGTTGCTGCTGCTGCTGCTGTGGTGGTGGTGTCTGTTCCTGGGGAGTTTGCTGCTGCGG-3'